The following is an entry in ClinVar:

ClinVar aggregate classification (germline): Uncertain significance (1 of 4 stars; one submission).

Conditions:
Cardiovascular phenotype. Identifiers: MedGen CN230736.

gnomAD v4.1: 7 of 1,549,914 alleles (0.00045%); highest among the groups gnomAD compares: East Asian, 0.0073%; no homozygotes.

Submission:

Ambry Genetics
Classification: Uncertain significance for Cardiovascular phenotype. Last evaluated: 2025-06-01. Review status: criteria provided, single submitter. Criteria: Ambry Variant Classification Scheme 2023. Collection method: clinical testing. Allele origin: germline.
Comment: The p.R2632C variant (also known as c.7894C>T), located in coding exon 2 of the ZNF469 gene, results from a C to T substitution at nucleotide position 7894. The arginine at codon 2632 is replaced by cysteine, an amino acid with highly dissimilar properties. This amino acid position is conserved. In addition, this alteration is predicted to be tolerated by in silico analysis. Based on the available evidence, the clinical significance of this variant remains unclear.

NM_001367624.2(ZNF469):c.7978C>T (p.Arg2660Cys)

Gene: ZNF469 (zinc finger protein 469; plus strand). Cytogenetic location: 16q24.2.
Variant type: single nucleotide variant.
Coding change: c.7978C>T on transcript NM_001367624.2 (MANE Select); coding-DNA position 7978, C replaced by T.
Protein change: p.Arg2660Cys; replaces arginine 2660 with cysteine.
Molecular consequence: missense variant.
Genome position (GRCh38, 1-based): chr16:88,435,448, C>T. VCF-style: chr16-88435448-C-T. GRCh37 (hg19) VCF-style: chr16-88501856-C-T.
Other names: NM_001127464.1:c.7894C>T; short protein forms R2660C.
Identifiers: ClinVar variation 3987381 (VCV003987381.1).
Genomic context (GRCh38, chr16:88,435,448, plus strand): 5'-GGGAGAAGGCTCCGGGAGGAGAGCATTCTTCCAGTCTCTGCTGATGTGATTTCAGATGGG[C>T]GCGGCTCCAGACCATCCCCTGCAATGGCCAGTTACGCAGCCTCTCCGAGCCACTGCCTCT-3'
Protein context (NP_001354553.1, residues 2650-2670): PVSADVISDG[Arg2660Cys]GSRPSPAMAS